The following is an entry in ClinVar:

NM_152263.4(TPM3):c.*1130C>T

Gene: TPM3 (tropomyosin 3; minus strand). Cytogenetic location: 1q21.3.
Variant type: single nucleotide variant.
Coding change: c.*1130C>T on transcript NM_152263.4 (MANE Select); 1130 bases downstream of the stop codon, C replaced by T.
Molecular consequence: 3 prime UTR variant. On other transcripts: intron variant (12).
Genome position (GRCh38, 1-based): chr1:154,166,807, G>A on the plus strand (C>T on the coding strand, the complement: TPM3 is on the minus strand). VCF-style: chr1-154166807-G-A. GRCh37 (hg19) VCF-style: chr1-154139283-G-A.
Other names: c.*1130C>T (NM_001364682.1, NM_001364683.1); c.775+3593C>T (NM_001364679.2, NM_001364681.2, NM_001364680.2); c.466+3593C>T (NM_001278188.2); c.664+3593C>T (NM_001043351.2, NM_001043353.2, NM_153649.4 and 1 more transcripts); c.743+2498C>T (NM_001349679.2, NM_001278189.2); c.601+3593C>T (NM_001278190.2); c.394+3593C>T (NM_001278191.2).
Identifiers: ClinVar variation 874144 (VCV000874144.4), dbSNP rs143058197, ClinGen allele CA30765452.

ClinVar aggregate classification (germline): Benign/Likely benign. Review status: criteria provided, single submitter (1 of 4 stars). 2 submissions from 1 submitter: Benign (1); Likely benign (1). Last evaluated 2018-01-12.

Conditions:
Congenital myopathy with fiber type disproportion. Also called: Congenital fiber-type disproportion myopathy; Congenital fiber-type disproportion. Identifiers: Orphanet 2020, MedGen C0546264, MONDO:0009711. Inheritance: all.
Congenital myopathy 4B, autosomal recessive. Also called: Nemaline myopathy 1, autosomal dominant or recessive. Identifiers: Orphanet 171433, Orphanet 171439, Orphanet 171881, MedGen C5829889, MONDO:0012239, OMIM 609284.

Allele frequency attached by ClinVar (database versions not stated): gnomAD exomes 0.00061; 1000 Genomes Project 30x 0.00640; 1000 Genomes Project 0.00699; TOPMed 0.00883.
gnomAD v4.1: 1,454 of 538,824 alleles (0.27%); highest among the groups gnomAD compares: African/African-American, 2.8%; 18 homozygotes.

Submissions (2):

Illumina Laboratory Services, Illumina
Classification: Benign for Congenital myopathy 4A, autosomal dominant. Last evaluated: 2018-01-12. Review status: criteria provided, single submitter. Criteria: ICSL Variant Classification Criteria 13 December 2019. Collection method: clinical testing. Allele origin: germline.
Comment: This variant was observed in the ICSL laboratory as part of a predisposition screen in an ostensibly healthy population. It had not been previously curated by ICSL or reported in the Human Gene Mutation Database (HGMD: prior to June 1st, 2018), and was therefore a candidate for classification through an automated scoring system. Utilizing variant allele frequency, disease prevalence and penetrance estimates, and inheritance mode, an automated score was calculated to assess if this variant is too frequent to cause the disease. Based on the score and internal cut-off values, a variant classified as benign is not then subjected to further curation. The score for this variant resulted in a classification of benign for this disease.

Illumina Laboratory Services, Illumina
Classification: Likely benign for Congenital myopathy 4B, autosomal recessive. Last evaluated: 2018-01-12. Review status: criteria provided, single submitter. Criteria: ICSL Variant Classification Criteria 13 December 2019. Collection method: clinical testing. Allele origin: germline.
Comment: This variant was observed in the ICSL laboratory as part of a predisposition screen in an ostensibly healthy population. It had not been previously curated by ICSL or reported in the Human Gene Mutation Database (HGMD: prior to June 1st, 2018), and was therefore a candidate for classification through an automated scoring system. Utilizing variant allele frequency, disease prevalence and penetrance estimates, and inheritance mode, an automated score was calculated to assess if this variant is too frequent to cause the disease. Based on the score and internal cut-off values, a variant classified as likely benign is not then subjected to further curation. The score for this variant resulted in a classification of likely benign for this disease.